The following is an entry in ClinVar:

ClinVar aggregate classification (germline): Uncertain significance (1 of 4 stars; one submission).

Allele frequency attached by ClinVar (database versions not stated): TOPMed below 0.00001; gnomAD 0.00001.
gnomAD v4.1: 2 of 1,611,226 alleles (0.00012%); highest among the groups gnomAD compares: African/African-American, 0.0027%; no homozygotes.

Submission:

Ambry Genetics
Classification: Uncertain significance. Last evaluated: 2023-05-04. Review status: criteria provided, single submitter. Criteria: Ambry Variant Classification Scheme 2023. Collection method: clinical testing. Allele origin: germline.
Comment: The p.Y398* variant (also known as c.1194T>A), located in coding exon 9 of the RECQL gene, results from a T to A substitution at nucleotide position 1194. This changes the amino acid from a tyrosine to a stop codon within coding exon 9. This alteration is expected to result in loss of function by premature protein truncation or nonsense-mediated mRNA decay. The evidence for this gene-disease relationship is limited; therefore, the clinical significance of this alteration is unclear.

Literature cited by the submitters: PubMed 32427313.

NM_002907.4(RECQL):c.1194T>A (p.Tyr398Ter)

Gene: RECQL (RecQ like helicase; minus strand). Cytogenetic location: 12p12.1.
Variant type: single nucleotide variant.
Coding change: c.1194T>A on transcript NM_002907.4 (MANE Select); coding-DNA position 1194, T replaced by A.
Protein change: p.Tyr398Ter; replaces tyrosine 398 with a stop codon.
Molecular consequence: nonsense.
Genome position (GRCh38, 1-based): chr12:21,475,490, A>T on the plus strand (T>A on the coding strand, the complement: RECQL is on the minus strand). VCF-style: chr12-21475490-A-T. GRCh37 (hg19) VCF-style: chr12-21628424-A-T.
Other names: c.1194T>A, p.Tyr398Ter (NM_032941.3); short protein forms Y398*.
Identifiers: ClinVar variation 1745705 (VCV001745705.3), dbSNP rs890315251, ClinGen allele CA233569230.